The following is an entry in ClinVar:

ClinVar aggregate classification (germline): Uncertain significance (1 of 4 stars; one submission).

Conditions:
AFF4-related disorder. Also called: AFF4-related condition.

gnomAD v4.1: 1 of 1,613,970 alleles (0.000062%); highest among the groups gnomAD compares: Non-Finnish European, 0.000085%; no homozygotes.

Submission:

PreventionGenetics, part of Exact Sciences
Classification: Uncertain significance for AFF4-related condition. Last evaluated: 2025-05-08. Review status: criteria provided, single submitter. Criteria: ACMG Guidelines, 2015. Collection method: clinical testing. Allele origin: germline.
Comment: The AFF4 c.3199G>A variant is predicted to result in the amino acid substitution p.Gly1067Arg. To our knowledge, this variant has not been reported in the literature. This variant is reported in 0.00088% of alleles in individuals of European (Non-Finnish) descent in gnomAD. At this time, the clinical significance of this variant is uncertain due to the absence of conclusive functional and genetic evidence.

NM_014423.4(AFF4):c.3199G>A (p.Gly1067Arg)

Gene: AFF4 (ALF transcription elongation factor 4; minus strand). Cytogenetic location: 5q31.1.
Variant type: single nucleotide variant.
Coding change: c.3199G>A on transcript NM_014423.4 (MANE Select); coding-DNA position 3199, G replaced by A.
Protein change: p.Gly1067Arg; replaces glycine 1067 with arginine.
Molecular consequence: missense variant.
Genome position (GRCh38, 1-based): chr5:132,883,505, C>T on the plus strand (G>A on the coding strand, the complement: AFF4 is on the minus strand). VCF-style: chr5-132883505-C-T. GRCh37 (hg19) VCF-style: chr5-132219197-C-T.
Other names: short protein forms G1067R.
Identifiers: ClinVar variation 5001723 (VCV005001723.1).